The following is an entry in ClinVar:

NM_001080467.3(MYO5B):c.31A>G (p.Thr11Ala)

Gene: MYO5B (myosin VB; minus strand). Cytogenetic location: 18q21.1.
Variant type: single nucleotide variant.
Coding change: c.31A>G on transcript NM_001080467.3 (MANE Select); coding-DNA position 31, A replaced by G.
Protein change: p.Thr11Ala; replaces threonine 11 with alanine.
Molecular consequence: missense variant.
Genome position (GRCh38, 1-based): chr18:50,055,375, T>C on the plus strand (A>G on the coding strand, the complement: MYO5B is on the minus strand). VCF-style: chr18-50055375-T-C. GRCh37 (hg19) VCF-style: chr18-47581745-T-C.
Other names: short protein forms T11A.
Identifiers: ClinVar variation 3677673 (VCV003677673.2).

ClinVar aggregate classification (germline): Uncertain significance (1 of 4 stars; one submission).

Submission:

Labcorp Genetics (formerly Invitae), Labcorp
Classification: Uncertain significance. Last evaluated: 2024-07-17. Review status: criteria provided, single submitter. Criteria: Invitae Variant Classification Sherloc (09022015). Collection method: clinical testing. Allele origin: germline.
Comment: This sequence change replaces threonine, which is neutral and polar, with alanine, which is neutral and non-polar, at codon 11 of the MYO5B protein (p.Thr11Ala). This variant is not present in population databases (gnomAD no frequency). This variant has not been reported in the literature in individuals affected with MYO5B-related conditions. Advanced modeling of protein sequence and biophysical properties (such as structural, functional, and spatial information, amino acid conservation, physicochemical variation, residue mobility, and thermodynamic stability) performed at Invitae indicates that this missense variant is not expected to disrupt MYO5B protein function with a negative predictive value of 80%. In summary, the available evidence is currently insufficient to determine the role of this variant in disease. Therefore, it has been classified as a Variant of Uncertain Significance.